The following is an entry in ClinVar:

NC_000014.8:g.(?_81609264)_(81610697_?)del

Gene: TSHR (thyroid stimulating hormone receptor; plus strand). Cytogenetic location: 14q31.1.
Variant type: Deletion.
Identifiers: ClinVar variation 3244058 (VCV003244058.1).

ClinVar aggregate classification (germline): Pathogenic (1 of 4 stars; one submission).

Submission:

Labcorp Genetics (formerly Invitae), Labcorp
Classification: Pathogenic. Last evaluated: 2023-11-01. Review status: criteria provided, single submitter. Criteria: Invitae Variant Classification Sherloc (09022015). Collection method: clinical testing. Allele origin: unknown.
Comment: This variant is a gross deletion of the genomic region encompassing exon(s) 10 of the TSHR gene, which includes the termination codon. This deletion extends beyond the assayed region for this gene and therefore may encompass additional genes. While this deletion is not anticipated to lead to nonsense mediated decay, it is expected to alter mRNA translation or result in a truncated protein product. This variant has not been reported in the literature in individuals affected with TSHR-related conditions. This variant disrupts a region of the TSHR protein in which other variant(s) (p.Arg450His) have been determined to be pathogenic (PMID: 11442002, 16756469, 21677043, 30083029). This suggests that this is a clinically significant region of the protein, and that variants that disrupt it are likely to be disease-causing. For these reasons, this variant has been classified as Pathogenic.

Literature cited by the submitters: PubMed 11442002; PubMed 16756469; PubMed 21677043; PubMed 30083029.